The following is an entry in ClinVar:

NM_006231.4(POLE):c.3583_4150-1613del

Gene: POLE (DNA polymerase epsilon, catalytic subunit; minus strand). Cytogenetic location: 12q24.33.
Variant type: Deletion.
Coding change: c.3583_4150-1613del on transcript NM_006231.4 (MANE Select); coding-DNA position 3583 through 1613 bases into the intron before coding-DNA position 4150, 4,300 bases deleted.
Molecular consequence: splice acceptor variant, splice donor variant.
Genome position (GRCh38, 1-based): chr12:132,645,590-132,649,889, 4,300 bases deleted. GRCh37 (hg19): chr12:133,222,176-133,226,475.
Identifiers: ClinVar variation 861109 (VCV000861109.1), ClinGen allele CA916082368.

ClinVar aggregate classification (germline): Uncertain significance (1 of 4 stars; one submission).

Conditions:
Colorectal cancer, susceptibility to, 12 (CRCS12). Also called: COLORECTAL CANCER, SUSCEPTIBILITY TO, ON CHROMOSOME 12q24. Identifiers: Orphanet 220460, MedGen C3554460, MONDO:0014038, OMIM 615083.

Submission:

Labcorp Genetics (formerly Invitae), Labcorp
Classification: Uncertain significance for Colorectal cancer, susceptibility to, 12. Last evaluated: 2019-12-20. Review status: criteria provided, single submitter. Criteria: Invitae Variant Classification Sherloc (09022015). Collection method: clinical testing. Allele origin: germline.
Comment: This variant is a complex sequence change that deletes the genomic region encompassing exons 30-32 and inserts another 47 nucleotides at the intron 29-exon 30 boundary (c.3583_4150-1613delins47) of the POLE gene. It is expected to result in a frameshift (p.Val1195Trpfs*951) and disrupt the last 1092 amino acids of the POLE protein. This variant has not been reported in the literature in individuals with POLE-related disease. Missense variants that disrupt the 3'-5' exonuclease (proof-reading) activity of the POLE/POLD1 protein, while not abolishing its polymerase enzyme activity, are associated with an increased risk for colonic adenomatous polyps and colon cancer (PMID: 23263490, 23447401). Loss-of-function variants, which result in an absent or severely disrupted POLE/POLD1 protein, are therefore unlikely to be associated with disease. Without further clinical and genetic evidence, however, this variant has been classified as a Variant of Uncertain Significance.

Literature cited by the submitters: PubMed 23263490; PubMed 23447401.